The following is an entry in ClinVar:

ClinVar aggregate classification (germline): Uncertain significance (1 of 4 stars; one submission).

Conditions:
Anauxetic dysplasia. Identifiers: Orphanet 93347, MedGen C1846796, MONDO:0011773.

Allele frequency attached by ClinVar (database versions not stated): TOPMed 0.00017; gnomAD exomes 0.00021; gnomAD 0.00017.

Submission:

Labcorp Genetics (formerly Invitae), Labcorp
Classification: Uncertain significance for Anauxetic dysplasia. Last evaluated: 2025-01-21. Review status: criteria provided, single submitter. Criteria: Invitae Variant Classification Sherloc (09022015). Collection method: clinical testing. Allele origin: germline.
Comment: This variant occurs in the RMRP gene, which encodes an RNA molecule that does not result in a protein product. This variant is present in population databases (rs750722147, gnomAD 0.03%). This variant has not been reported in the literature in individuals affected with RMRP-related conditions. Experimental studies and prediction algorithms are not available or were not evaluated, and the functional significance of this variant is currently unknown. In summary, the available evidence is currently insufficient to determine the role of this variant in disease. Therefore, it has been classified as a Variant of Uncertain Significance.

NC_000009.12:g.35658116T>C

Gene: RMRP (RNA component of mitochondrial RNA processing endoribonuclease; minus strand). Cytogenetic location: 9p13.3.
Variant type: single nucleotide variant.
Genome position: GRCh38 VCF-style: chr9-35658116-T-C. GRCh37 (hg19) VCF-style: chr9-35658113-T-C.
Identifiers: ClinVar variation 2070839 (VCV002070839.3), dbSNP rs750722147, ClinGen allele CA192745813.
Genomic context (GRCh38, chr9:35,658,116, plus strand): 5'-AAAGAAATTGTGTTTTATGATTAGGGTGAGAAAGTTGGTGGCGTGAGATTAAAAAAACCG[T>C]TTTCGGGCATAACTTTCTAAGACTATAGGCTTTCAGAGGCATTGTGGCTAGCAGAATAGC-3'